The following is an entry in ClinVar:

ClinVar aggregate classification (germline): Uncertain significance (1 of 4 stars; one submission).

Conditions:
Werner syndrome (WRN). Identifiers: Orphanet 902, MedGen C0043119, MONDO:0010196, OMIM 277700.

Submission:

Labcorp Genetics (formerly Invitae), Labcorp
Classification: Uncertain significance for Werner syndrome. Last evaluated: 2018-05-26. Review status: criteria provided, single submitter. Criteria: Invitae Variant Classification Sherloc (09022015). Collection method: clinical testing. Allele origin: germline.
Comment: In summary, the available evidence is currently insufficient to determine the role of this variant in disease. Therefore, it has been classified as a Variant of Uncertain Significance. Algorithms developed to predict the effect of missense changes on protein structure and function are either unavailable or do not agree on the potential impact of this missense change (SIFT: "Tolerated"; PolyPhen-2: "Possibly Damaging"; Align-GVGD: "Class C0"). This variant has not been reported in the literature in individuals with WRN-related disease. This variant is not present in population databases (ExAC no frequency). This sequence change replaces cysteine with proline at codon 1367 of the WRN protein (p.Cys1367Pro). The cysteine residue is moderately conserved and there is a large physicochemical difference between cysteine and proline.

NM_000553.6(WRN):c.4099_4100delinsCC (p.Cys1367Pro)

Gene: WRN (WRN RecQ like helicase; plus strand). Cytogenetic location: 8p12.
Variant type: Indel.
Coding change: c.4099_4100delinsCC on transcript NM_000553.6 (MANE Select); coding-DNA positions 4099 to 4100, TG replaced by CC.
Protein change: p.Cys1367Pro; replaces cysteine 1367 with proline.
Molecular consequence: missense variant.
Genome position (GRCh38, 1-based): chr8:31,167,138-31,167,139, TG replaced by CC. VCF-style: chr8-31167138-TG-CC. GRCh37 (hg19) VCF-style: chr8-31024654-TG-CC.
Other names: short protein forms C1367P.
Identifiers: ClinVar variation 577781 (VCV000577781.4), dbSNP rs1563393557, ClinGen allele CA891842975.